The following is an entry in ClinVar:

ClinVar aggregate classification (germline): Benign. Review status: criteria provided, multiple submitters, no conflicts (2 of 4 stars). 2 submissions from 2 submitters: Benign (2). Last evaluated 2019-10-17.

Allele frequency attached by ClinVar (database versions not stated): gnomAD 0.04014 and 0.04099; ESP Exome Variant Server 0.04206; TOPMed 0.04580; 1000 Genomes Project 30x 0.04591; 1000 Genomes Project 0.04633; ExAC 0.04704; gnomAD exomes 0.04999.
gnomAD v4.1: 74,633 of 1,613,728 alleles (4.6%); highest among the groups gnomAD compares: Admixed American, 9.1%; 1,977 homozygotes.

Submissions (2):

GeneDx
Classification: Benign. Last evaluated: 2019-10-17. Review status: criteria provided, single submitter. Criteria: GeneDx Variant Classification Process June 2021. Collection method: clinical testing. Allele origin: germline. Affected: yes.
Comment: This variant is associated with the following publications: (PMID: 27421018)

Breakthrough Genomics
Classification: Benign. Review status: criteria provided, single submitter. Criteria: ACMG Guidelines, 2015. Collection method: not provided. Allele origin: germline. Inheritance: Unknown mechanism. Affected: yes.

NM_024080.5(TRPM8):c.740G>C (p.Arg247Thr)

Gene: TRPM8 (transient receptor potential cation channel subfamily M member 8; plus strand). Cytogenetic location: 2q37.1.
Variant type: single nucleotide variant.
Coding change: c.740G>C on transcript NM_024080.5 (MANE Select); coding-DNA position 740, G replaced by C.
Protein change: p.Arg247Thr; replaces arginine 247 with threonine.
Molecular consequence: missense variant.
Genome position (GRCh38, 1-based): chr2:233,945,896, G>C. VCF-style: chr2-233945896-G-C. GRCh37 (hg19) VCF-style: chr2-234854540-G-C.
Other names: short protein forms R247T.
Identifiers: ClinVar variation 1246736 (VCV001246736.3), dbSNP rs13004520, ClinGen allele CA2182047.
Genomic context (GRCh38, chr2:233,945,896, plus strand): 5'-AGTTTCCCTGTACTTTTCAGGGCTATTTTTTAGCCCAGTACCTTATGGATGACTTCACAA[G>C]AGATCCACTGTATATCCTGGACAACAACCACACACATTTGCTGCTCGTGGACAATGGCTG-3'
Protein context (NP_076985.4, residues 237-257): LAQYLMDDFT[Arg247Thr]DPLYILDNNH